The following is an entry in ClinVar:

ClinVar aggregate classification (germline): Likely benign. Review status: criteria provided, single submitter (1 of 4 stars). 2 submissions from 2 submitters: Likely benign (1). 1 of the submissions does not count toward it. Last evaluated 2024-01-02.

Conditions:
CEP290-related disorder. Also called: CEP290-related disorders; CEP290-related condition. Identifiers: MedGen CN239314.
Joubert syndrome. Also called: CEREBELLOPARENCHYMAL DISORDER IV; JOUBERT-BOLTSHAUSER SYNDROME; Familial aplasia of the vermis. Identifiers: Orphanet 475, MedGen C5979921, MONDO:0018772.
Nephronophthisis. Also called: Juvenile Nephronophthisis. Identifiers: Orphanet 655, MedGen C0687120, MONDO:0019005, HP:0000090.
Meckel-Gruber syndrome. Also called: DYSENCEPHALIA SPLANCHNOCYSTICA; GRUBER SYNDROME; Dysencephalia splachnocystica. Identifiers: Orphanet 564, MedGen C0265215, MONDO:0018921.

Allele frequency attached by ClinVar (database versions not stated): gnomAD 0.00001; TOPMed 0.00001.
gnomAD v4.1: 3 of 1,581,478 alleles (0.00019%); highest among the groups gnomAD compares: African/African-American, 0.0014%; no homozygotes.

Submissions (2):

Labcorp Genetics (formerly Invitae), Labcorp
Classification: Likely benign for Joubert syndrome; Meckel-Gruber syndrome; Nephronophthisis. Last evaluated: 2024-01-02. Review status: criteria provided, single submitter. Criteria: Invitae Variant Classification Sherloc (09022015). Collection method: clinical testing. Allele origin: germline.

PreventionGenetics, part of Exact Sciences
Classification: Likely benign for CEP290-related condition. Last evaluated: 2022-03-01. Review status: no assertion criteria provided. Collection method: clinical testing. Allele origin: germline. Not counted in ClinVar's aggregate classification.
Comment: This variant is classified as likely benign based on ACMG/AMP sequence variant interpretation guidelines (Richards et al. 2015 PMID: 25741868, with internal and published modifications).

NM_025114.4(CEP290):c.1523-4G>A

Gene: CEP290 (centrosomal protein 290; minus strand). Cytogenetic location: 12q21.32.
Variant type: single nucleotide variant.
Coding change: c.1523-4G>A on transcript NM_025114.4 (MANE Select); 4 bases into the intron before coding-DNA position 1523, G replaced by A.
Molecular consequence: intron variant.
Genome position (GRCh38, 1-based): chr12:88,118,747, C>T on the plus strand (G>A on the coding strand, the complement: CEP290 is on the minus strand). VCF-style: chr12-88118747-C-T. GRCh37 (hg19) VCF-style: chr12-88512524-C-T.
Other names: c.1523-4G>A (NM_025114.3).
Identifiers: ClinVar variation 1151278 (VCV001151278.11), dbSNP rs746906765, ClinGen allele CA6712533.
Genomic context (GRCh38, chr12:88,118,747, plus strand): 5'-TTAAGTGTTTGCTATTTCTAAATTCAGTTAAATCAATCATTGTCTTTGGTTCAAGGCCTA[C>T]AATAGAAAGCAATATAATTAAAAACTTAAAAACATTCAAATAAGCTGCAAAAATGTCATA-3'